The following is an entry in ClinVar:

ClinVar aggregate classification (germline): Uncertain significance (0 of 4 stars; one submission).

Conditions:
Autism (AUTS). Also called: Autistic disorder of childhood onset; Autistic disorder. Identifiers: MedGen C0004352, MeSH D001321, MONDO:0005260, OMIM 209850, HP:0000717.

Submission:

Centre for Addiction & Mental Health
Classification: Uncertain significance for Autism. Review status: no assertion criteria provided. Collection method: research. Allele origin: de novo. Affected: yes. Observed: 1 heterozygote. Segregation with disease not observed.
Comment: Gene not previously associated with disease; independent supportng evidence needed

NC_000006.12:g.47679135G>A

Gene: ADGRF2 (adhesion G protein-coupled receptor F2; plus strand). Cytogenetic location: 6p12.3.
Variant type: single nucleotide variant.
Genome position: GRCh38 VCF-style: chr6-47679135-G-A. GRCh37 (hg19) VCF-style: chr6-47646871-G-A.
Other names: NM_153839.7:c.267+1G>A.
Identifiers: ClinVar variation 3338185 (VCV003338185.2).